The following is an entry in ClinVar:

ClinVar aggregate classification (germline): Likely pathogenic. Review status: reviewed by expert panel (3 of 4 stars). 7 submissions from 7 submitters: Likely pathogenic (1). 6 of the submissions do not count toward it. Last evaluated 2022-06-30.

Conditions:
Primary Mitochondrial Disorders. Identifiers: MedGen CN381104.
MT-ATP6-related disorder.
Myopathy, lactic acidosis, and sideroblastic anemia 3 (MLASA3). Identifiers: Orphanet 2598, MedGen C4225415, MONDO:0010782, OMIM 500011.
Mitochondrial disease. Also called: Mitochondrial disorder; Mitochondrial disorders. Identifiers: Orphanet 68380, MedGen C0751651, MeSH D028361, MONDO:0044970.
Leber optic atrophy (LHON). Also called: Leber hereditary optic neuropathy; Leber's disease; Leber's optic atrophy; Optic Atrophy, Hereditary, Leber. Identifiers: Orphanet 104, MedGen C0917796, MONDO:0010788, OMIM 535000, HP:0001112.
MELAS syndrome (MELAS). Also called: Juvenile myopathy, encephalopathy, lactic acidosis, stroke. Identifiers: Orphanet 550, MedGen C0162671, MONDO:0010789, OMIM 540000.

Submissions (7):

ClinGen Mitochondrial Disease Nuclear and Mitochondrial  Variant Curation Expert Panel, ClinGen
Classification: Likely pathogenic for Mitochondrial disease. Last evaluated: 2022-06-30. Review status: reviewed by expert panel. Criteria: clingen mito disease acmg specifications v1-1. Collection method: curation. Allele origin: germline. Inheritance: Mitochondrial inheritance.
Comment: The m.8969G>A (p.S148N) variant in MT-ATP6 has been reported in at least five individuals from four families in the literature with features including nephrotic syndrome, developmental delay, seizures, stroke-like episodes, muscle weakness, brain atrophy, agenesis of the corpus callosum, hearing loss, Wolff-Parkinson-White syndrome, increased fasting level of glucose, liver steatosis, and failure to thrive, with heteroplasmy levels ranging from 61-96% (PS4_moderate; PMIDs: 25037980, 29350304, 27812026, 27450679). Additionally, this expert panel knew of two local families with affected individuals with this variant that the expert panel agreed to include. The variant was de novo in two of the four families reported in the literature (PS2_moderate; PMIDs: 25037980, 27450679). This variant segregated with disease in multiple affected members in one family and several healthy family members had lower to undetectable levels of the variant (PP1_moderate; PMIDs: 29350304). This variant is absent in the GenBank dataset, Helix dataset, and gnomAD v3.1.2 (PM2_supporting). Studies in cybrids and yeast support the functional impact of this variant (PS3_supporting; PMID: 27812026). The computational predictor APOGEE gives a consensus rating of pathogenic with a score of 0.57 (Min=0, Max=1), which predicts a damaging effect on gene function (PP3). In summary, this variant meets criteria to be classified as likely pathogenic for primary mitochondrial disease inherited in a mitochondrial manner. This classification was approved by the NICHD/NINDS U24 Mitochondrial Disease Variant Curation Expert Panel on March 28, 2022. Mitochondrial DNA-specific ACMG/AMP criteria applied (PMID: 32906214): PS4_moderate, PS2_moderate, PP1_moderate, PM2_supporting, PS3_supporting, PP3.

3billion
Classification: Pathogenic for MT-ATP6-related disorder. Last evaluated: 2025-11-10. Review status: criteria provided, single submitter. Criteria: ACMG Guidelines, 2015. Collection method: clinical testing. Allele origin: germline. Affected: yes. Not counted in ClinVar's aggregate classification.
Comment: The variant is observed at an extremely low frequency in the gnomAD v4.1.0 dataset (heteroplasmic allele frequency: 0.007%). Predicted Consequence/Location: Mitochondrial variant In silico tool predictions suggest damaging effect of the variant on gene or gene product [APOGEE2: 0.84 (>= 0.716)]. The same nucleotide change resulting in the same amino acid change has been previously reported as pathogenic/likely pathogenic with strong evidence (3billion dataset/ClinVar ID: VCV000191364). The variant has been previously reported as de novo in at least two similarly affected unrelated individuals (PMID: 25037980, 27450679). The variant has been observed in multiple (>3) similarly affected unrelated individuals (PMID: 25037980, 27450679, 27812026, 29350304). A different missense change at the same codon (p.Ser148Thr) has been reported as pathogenic/likely pathogenic with strong evidence (Mitomap PMID: 32858252). Therefore, this variant is classified as Pathogenic according to the recommendation of ACMG/AMP guideline.

Variantyx, Inc.
Classification: Likely pathogenic for Primary mitochondrial disorders. Last evaluated: 2025-08-20. Review status: criteria provided, single submitter. Criteria: Variantyx Assertion Criteria 2022. Collection method: clinical testing. Allele origin: germline. Affected: yes. Not counted in ClinVar's aggregate classification.
Comment: The m.8969G>A, c.443G>A, p.Ser148Asn change is a a nonsynonymous single nucleotide variant in the MT-ATP6 gene. Pathogenic variants in this gene have been associated with primary mitochondrial disorders. This variant was not detected in the mother(s) of individual(s) reported in the published literature (PMID: 25037980, 27450679) or previous internal cases; however, the possibility of heteroplasmy in different tissues cannot be excluded (PS2_Moderate). It is recommended to test several tissues in the mother by NGS to fully assess for the presence and level of this mtDNA variant. This variant has been reported in at least 4 unrelated affected individual(s) (PMID: 27450679, 27812026, 29350304, 34732400 ) (PS4_Moderate). Functional studies support a deleterious effect for this variant (PMID: 27812026) (PS3) and computational algorithms suggest a deleterious effect on the gene or gene product (Aggregate Predicted Severity Score: 0.53) (PP3). This variant is absent from control populations (PM2). Other reputable laboratories have reported this variant as pathogenic or likely pathogenic, and this classification has been validated by an expert panel in ClinVar (Variation ID: 191364) (PP5). Based on the current evidence, this variant is classified as likely pathogenic for primary mitochondrial disorders.I

Laboratory of Genetics, Children's Clinical University Hospital Latvia
Classification: Likely pathogenic. Last evaluated: 2025-02-16. Review status: criteria provided, single submitter. Criteria: ACMG Guidelines, 2015. Collection method: clinical testing. Allele origin: germline. Affected: yes. Not counted in ClinVar's aggregate classification.

Mendelics
Classification: Pathogenic for Leber optic atrophy. Last evaluated: 2022-05-04. Review status: criteria provided, single submitter. Criteria: Mendelics Assertion Criteria 2019. Collection method: clinical testing. Allele origin: germline. Not counted in ClinVar's aggregate classification.

Wong Mito Lab, Molecular and Human Genetics, Baylor College of Medicine
Classification: Pathogenic for MELAS syndrome. Last evaluated: 2019-10-17. Review status: criteria provided, single submitter. Criteria: Modified ACMG Guidelines (Unpublished). Collection method: clinical testing. Allele origin: germline. Not counted in ClinVar's aggregate classification.
Comment: The NC_012920.1:m.8969G>A (YP_003024031.1:p.Ser148Asn) variant in MTATP6 gene is interpretated to be a Pathogenic variant based on the modified ACMG guidelines (unpublished). This variant meets the following evidence codes: PS1, PS3

OMIM
Classification: Pathogenic for MITOCHONDRIAL MYOPATHY, LACTIC ACIDOSIS, AND SIDEROBLASTIC ANEMIA 3 (1 patient). Last evaluated: 2014-11-01. Review status: no assertion criteria provided. Collection method: literature only. Allele origin: germline. Not counted in ClinVar's aggregate classification.

Literature cited by the submitters: PubMed 29350304 (cited by 3billion and Wong Mito Lab, Molecular and Human Genetics, Baylor College of Medicine); PubMed 27450679 (cited by 3billion); PubMed 32858252 (cited by 3billion); PubMed 25037980 (cited by 3 submitters); PubMed 27812026 (cited by 3billion and Wong Mito Lab, Molecular and Human Genetics, Baylor College of Medicine).

NC_012920.1(MT-ATP6):m.8969G>A

Gene: MT-ATP6 (mitochondrially encoded ATP synthase 6; plus strand).
Variant type: single nucleotide variant.
Genome position: chrM-8969-G-A.
Other names: S148N.
Identifiers: ClinVar variation 191364 (VCV000191364.8), dbSNP rs794726857, ClinGen allele CA199769.